The following is an entry in ClinVar:

ClinVar aggregate classification (germline): Uncertain significance (1 of 4 stars; one submission).

Submission:

Women's Health and Genetics/Laboratory Corporation of America, LabCorp
Classification: Uncertain significance. Last evaluated: 2023-06-29. Review status: criteria provided, single submitter. Criteria: LabCorp Variant Classification Summary - May 2015. Collection method: clinical testing. Allele origin: germline.
Comment: Variant summary: KIF21A c.3779+16T>A alters a non-conserved nucleotide located close to a canonical splice site and therefore could affect mRNA splicing, leading to a significantly altered protein sequence. 4/4 computational tools predict no significant impact on normal splicing. However, these predictions have yet to be confirmed by functional studies. The variant was absent in 220380 control chromosomes (gnomAD). The available data on variant occurrences in the general population are insufficient to allow any conclusion about variant significance. To our knowledge, no occurrence of c.3779+16T>A in individuals affected with KIF21A-Related Disorders and no experimental evidence demonstrating its impact on protein function have been reported. No submitters have cited clinical-significance assessments for this variant to ClinVar after 2014. Based on the evidence outlined above, the variant was classified as uncertain significance.

NM_001173464.2(KIF21A):c.3779+16T>A

Gene: KIF21A (kinesin family member 21A; minus strand). Cytogenetic location: 12q12.
Variant type: single nucleotide variant.
Coding change: c.3779+16T>A on transcript NM_001173464.2 (MANE Select); 16 bases into the intron after coding-DNA position 3779, T replaced by A.
Molecular consequence: intron variant.
Genome position (GRCh38, 1-based): chr12:39,319,890, A>T on the plus strand (T>A on the coding strand, the complement: KIF21A is on the minus strand). VCF-style: chr12-39319890-A-T. GRCh37 (hg19) VCF-style: chr12-39713692-A-T.
Other names: c.3671+16T>A (NM_001173465.2); c.3719+16T>A (NM_001173463.2); c.3740+16T>A (NM_017641.4, NM_001378441.1); c.3779+16T>A (NM_001378440.1, NM_001378439.1).
Identifiers: ClinVar variation 2573463 (VCV002573463.1), dbSNP rs2137656507, ClinGen allele CA2580615159.
Genomic context (GRCh38, chr12:39,319,890, plus strand): 5'-TTCATGATTATCTTTAGCATCTAAGTGCAGCAGGCATTTAATACAGTCTAGCAGGTAAAA[A>T]ACATTAGTCACTTACTGCTTTTGTTCCTTGGCCTTTGATTTTTCTGCTTTCTCATATGCC-3'